The following is an entry in ClinVar:

NC_000016.9:g.(78198187_78420756)_(78420846_78458766)del

Gene: WWOX (WW domain containing oxidoreductase; plus strand). Cytogenetic location: 16q23.1.
Variant type: Deletion.
Identifiers: ClinVar variation 2573587 (VCV002573587.1).

ClinVar aggregate classification (germline): Pathogenic (1 of 4 stars; one submission).

Conditions:
Early Infantile Epileptic Encephalopathy, Autosomal Recessive.

Submission:

Women's Health and Genetics/Laboratory Corporation of America, LabCorp
Classification: Pathogenic. Last evaluated: 2023-06-01. Review status: criteria provided, single submitter. Criteria: LabCorp Variant Classification Summary - May 2015. Collection method: clinical testing. Allele origin: germline.
Comment: Variant summary: The variant identified by MLPA or other technology involves the deletion of exon 6 in the WWOX gene. A presumed nomenclature of c.(516+1_517-1)_(605+1_606-1)del has been designated for the purposes of this classification. Although exact breakpoints of this deletion are not known, it is expected to result in a frameshift in the WWOX gene, a known mechanism of disease. The variant allele was found at a frequency of 9.2e-05 in 21694 control chromosomes in gnomAD structural variants dataset. c.(516+1_517-1)_(605+1_606-1)del has been reported in the literature in individuals affected with Early Infantile Epileptic Encephalopathy, Autosomal Recessive (examples: Mignot_2015, and Davids_2019). These data indicate that the variant is associated with disease. At least one publication reports experimental evidence evaluating an impact on protein function. This study showed there was no protein expressed in a patient who was homozygous for this deletion (Davids_2019). The following publications have been ascertained in the context of this evaluation (PMID: 30362252, 25411445). One clinical diagnostic laboratory has submitted clinical-significance assessments for this variant to ClinVar after 2014 and classified the variant as pathogenic. Based on the evidence outlined above, the variant was classified as pathogenic.

Literature cited by the submitters: PubMed 30362252; PubMed 25411445.